The following is an entry in ClinVar:

ClinVar aggregate classification (germline): Uncertain significance (1 of 4 stars; one submission).

Conditions:
Distal myopathy with posterior leg and anterior hand involvement. Also called: WILLIAMS DISTAL MYOPATHY. Identifiers: Orphanet 63273, MedGen C3279722, MONDO:0013550, OMIM 614065.
Hypertrophic cardiomyopathy 26. Also called: Cardiomyopathy, familial hypertrophic, 26. Identifiers: Orphanet 75249, MedGen C4310749, MONDO:0014883, OMIM 617047.
Myofibrillar myopathy 5. Also called: Filaminopathy (type); FILAMINOPATHY, AUTOSOMAL DOMINANT. Identifiers: Orphanet 171445, MedGen C1836050, MONDO:0012289, OMIM 609524.

gnomAD v4.1: 1 of 1,613,338 alleles (0.000062%); highest among the groups gnomAD compares: Non-Finnish European, 0.000085%; no homozygotes.

Submission:

Labcorp Genetics (formerly Invitae), Labcorp
Classification: Uncertain significance for Distal myopathy with posterior leg and anterior hand involvement; Myofibrillar myopathy 5; Hypertrophic cardiomyopathy 26. Last evaluated: 2024-11-15. Review status: criteria provided, single submitter. Criteria: Invitae Variant Classification Sherloc (09022015). Collection method: clinical testing. Allele origin: germline.
Comment: This sequence change replaces valine, which is neutral and non-polar, with methionine, which is neutral and non-polar, at codon 1959 of the FLNC protein (p.Val1959Met). This variant is not present in population databases (gnomAD no frequency). This variant has not been reported in the literature in individuals affected with FLNC-related conditions. Invitae Evidence Modeling of protein sequence and biophysical properties (such as structural, functional, and spatial information, amino acid conservation, physicochemical variation, residue mobility, and thermodynamic stability) has been performed for this missense variant. However, the output from this modeling did not meet the statistical confidence thresholds required to predict the impact of this variant on FLNC protein function. In summary, the available evidence is currently insufficient to determine the role of this variant in disease. Therefore, it has been classified as a Variant of Uncertain Significance.

NM_001458.5(FLNC):c.5875G>A (p.Val1959Met)

Genes: FLNC-AS1 (FLNC antisense RNA 1; minus strand), FLNC (filamin C; plus strand). Cytogenetic location: 7q32.1.
Variant type: single nucleotide variant.
Coding change: c.5875G>A on transcript NM_001458.5 (MANE Select); coding-DNA position 5875, G replaced by A.
Protein change: p.Val1959Met; replaces valine 1959 with methionine.
Molecular consequence: missense variant.
Genome position (GRCh38, 1-based): chr7:128,852,623, G>A. VCF-style: chr7-128852623-G-A. GRCh37 (hg19) VCF-style: chr7-128492677-G-A.
Other names: c.5776G>A, p.Val1926Met (NM_001127487.2); short protein forms V1926M, V1959M.
Identifiers: ClinVar variation 3751437 (VCV003751437.2).
Genomic context (GRCh38, chr7:128,852,623, plus strand): 5'-CAGCCTGATGCCCCAACTCCCCCACCAGGTGATGACTCCATGAGGACCTCACAGCTGAAT[G>A]TGGGCACCTCCACGGACGTGTCACTGAAGATCACCGAGAGTGATCTGAGCCAGCTGACCG-3'
Protein context (NP_001449.3, residues 1949-1969): DDSMRTSQLN[Val1959Met]GTSTDVSLKI